The following is an entry in ClinVar:

ClinVar aggregate classification (germline): Uncertain significance. Review status: criteria provided, multiple submitters, no conflicts (2 of 4 stars). 2 submissions from 2 submitters: Uncertain significance (2). Last evaluated 2023-03-23.

Allele frequency attached by ClinVar (database versions not stated): ExAC 0.00001; gnomAD 0.00001; gnomAD exomes 0.00001 and 0.00006; TOPMed 0.00002.
gnomAD v4.1: 84 of 1,614,082 alleles (0.0052%); highest among the groups gnomAD compares: Non-Finnish European, 0.0071%; no homozygotes.

Submissions (2):

GeneDx
Classification: Uncertain significance. Last evaluated: 2023-03-23. Review status: criteria provided, single submitter. Criteria: GeneDx Variant Classification Process June 2021. Collection method: clinical testing. Allele origin: germline. Affected: yes.
Comment: Not observed at significant frequency in large population cohorts (gnomAD); In silico analysis supports that this missense variant does not alter protein structure/function; Has not been previously published as pathogenic or benign to our knowledge; In silico analysis suggests this variant may impact gene splicing. In the absence of RNA/functional studies, the actual effect of this sequence change is unknown.

Eurofins Ntd Llc (ga)
Classification: Uncertain significance. Last evaluated: 2016-10-07. Review status: criteria provided, single submitter. Criteria: EGL Classification Definitions 2015. Collection method: clinical testing. Allele origin: germline. Observed: 1 variant allele, 1 heterozygote.

NM_182961.4(SYNE1):c.8258A>G (p.Asp2753Gly)

Gene: SYNE1 (spectrin repeat containing nuclear envelope protein 1; minus strand). Cytogenetic location: 6q25.2.
Variant type: single nucleotide variant.
Coding change: c.8258A>G on transcript NM_182961.4 (MANE Select); coding-DNA position 8258, A replaced by G.
Protein change: p.Asp2753Gly; replaces aspartic acid 2753 with glycine.
Molecular consequence: missense variant.
Genome position (GRCh38, 1-based): chr6:152,387,301, T>C on the plus strand (A>G on the coding strand, the complement: SYNE1 is on the minus strand). VCF-style: chr6-152387301-T-C. GRCh37 (hg19) VCF-style: chr6-152708436-T-C.
Other names: c.8279A>G, p.Asp2760Gly (NM_033071.5); c.8279A>G (NM_033071.3); short protein forms D2753G, D2760G.
Identifiers: ClinVar variation 497523 (VCV000497523.6), dbSNP rs761090851, ClinGen allele CA4057581.